The following is an entry in ClinVar:

NM_033305.3(VPS13A):c.5696delinsAA (p.Leu1899fs)

Gene: VPS13A (vacuolar protein sorting 13 homolog A; plus strand). Cytogenetic location: 9q21.2.
Variant type: Indel.
Coding change: c.5696delinsAA on transcript NM_033305.3 (MANE Select); coding-DNA position 5696, T replaced by AA.
Protein change: p.Leu1899fs; shifts the reading frame from leucine 1899.
Molecular consequence: frameshift variant.
Genome position (GRCh38, 1-based): chr9:77,321,612, T replaced by AA. VCF-style: chr9-77321612-T-AA. GRCh37 (hg19) VCF-style: chr9-79936528-T-AA.
Other names: c.5579delinsAA, p.Leu1860fs (NM_001018037.2); c.5696delinsAA, p.Leu1899fs (NM_001018038.3, NM_015186.4); short protein forms L1860fs, L1899fs.
Identifiers: ClinVar variation 5014294 (VCV005014294.1).

ClinVar aggregate classification (germline): Pathogenic (1 of 4 stars; one submission).

Conditions:
VPS13A-related neurodegenerative disease. Also called: ACANTHOCYTOSIS WITH NEUROLOGIC DISORDER; LEVINE-CRITCHLEY SYNDROME; Choreoacanthocytosis; Chorea-acanthocytosis; Choreaacanthocytosis; VPS13A Disease. Identifiers: Orphanet 2388, MedGen C0393576, MONDO:0008695, OMIM 200150.

Submission:

Myriad Genetics, Inc.
Classification: Pathogenic for VPS13A-related neurodegenerative disease. Last evaluated: 2024-05-14. Review status: criteria provided, single submitter. Criteria: Myriad Autosomal Dominant, Autosomal Recessive and X-Linked Classification Criteria (2023). Collection method: clinical testing. Allele origin: unknown.
Comment: NM_033305.2(VPS13A):c.5696delTinsAA(L1899Qfs*28) is expected to be pathogenic in the context of VPS13A disease. This variant is predicted to lead to an abnormal or absent protein product due to the creation of a premature termination codon in VPS13A, a gene where loss-of-function variants are known to be pathogenic. Please note: this variant was assessed in the context of healthy population screening.